The following is an entry in ClinVar:

ClinVar aggregate classification (germline): Uncertain significance (1 of 4 stars; one submission).

Submission:

Labcorp Genetics (formerly Invitae), Labcorp
Classification: Uncertain significance. Last evaluated: 2024-07-11. Review status: criteria provided, single submitter. Criteria: Invitae Variant Classification Sherloc (09022015). Collection method: clinical testing. Allele origin: germline.
Comment: This sequence change replaces arginine, which is basic and polar, with glycine, which is neutral and non-polar, at codon 948 of the DIP2C protein (p.Arg948Gly). This variant is not present in population databases (gnomAD no frequency). This variant has not been reported in the literature in individuals affected with DIP2C-related conditions. An algorithm developed to predict the effect of missense changes on protein structure and function (PolyPhen-2) suggests that this variant is likely to be tolerated. In summary, the available evidence is currently insufficient to determine the role of this variant in disease. Therefore, it has been classified as a Variant of Uncertain Significance.

NM_014974.3(DIP2C):c.2842A>G (p.Arg948Gly)

Gene: DIP2C (DIP2 acetate--CoA ligase C (putative); minus strand). Cytogenetic location: 10p15.3.
Variant type: single nucleotide variant.
Coding change: c.2842A>G on transcript NM_014974.3 (MANE Select); coding-DNA position 2842, A replaced by G.
Protein change: p.Arg948Gly; replaces arginine 948 with glycine.
Molecular consequence: missense variant.
Genome position (GRCh38, 1-based): chr10:357,890, T>C on the plus strand (A>G on the coding strand, the complement: DIP2C is on the minus strand). VCF-style: chr10-357890-T-C. GRCh37 (hg19) VCF-style: chr10-403830-T-C.
Other names: short protein forms R948G.
Identifiers: ClinVar variation 3659305 (VCV003659305.2).